The following is an entry in ClinVar:

ClinVar aggregate classification (germline): Uncertain significance. Review status: criteria provided, multiple submitters, no conflicts (2 of 4 stars). 2 submissions from 2 submitters: Uncertain significance (2). Last evaluated 2021-10-25.

Conditions:
Landau-Kleffner syndrome (FESD). Also called: EPILEPSY, FOCAL, WITH SPEECH DISORDER AND WITH OR WITHOUT MENTAL RETARDATION; APHASIA, ACQUIRED, WITH EPILEPSY. Identifiers: Orphanet 1945, Orphanet 725, Orphanet 98818, MedGen C0282512, MONDO:0009509, OMIM 245570.

Submissions (2):

MGZ Medical Genetics Center
Classification: Uncertain significance for Landau-Kleffner syndrome. Last evaluated: 2021-10-25. Review status: criteria provided, single submitter. Criteria: ACMG Guidelines, 2015. Collection method: clinical testing. Allele origin: germline. Affected: yes. Observed: 1 variant allele.
Comment: ACMG criteria applied: PM1, PM2_SUP

CeGaT Center for Human Genetics Tuebingen
Classification: Uncertain significance. Last evaluated: 2018-07-01. Review status: criteria provided, single submitter. Criteria: CeGaT Center For Human Genetics Tuebingen Variant Classification Criteria Version 2. Collection method: clinical testing. Allele origin: germline. Affected: yes. Observed: 1 variant allele.

NM_001134407.3(GRIN2A):c.1493G>A (p.Gly498Asp)

Gene: GRIN2A (glutamate ionotropic receptor NMDA type subunit 2A; minus strand). Cytogenetic location: 16p13.2.
Variant type: single nucleotide variant.
Coding change: c.1493G>A on transcript NM_001134407.3 (MANE Select); coding-DNA position 1493, G replaced by A.
Protein change: p.Gly498Asp; replaces glycine 498 with aspartic acid.
Molecular consequence: missense variant.
Genome position (GRCh38, 1-based): chr16:9,840,940, C>T on the plus strand (G>A on the coding strand, the complement: GRIN2A is on the minus strand). VCF-style: chr16-9840940-C-T. GRCh37 (hg19) VCF-style: chr16-9934797-C-T.
Other names: c.1493G>A, p.Gly498Asp (NM_000833.5, NM_001134408.2); short protein forms G498D.
Identifiers: ClinVar variation 624083 (VCV000624083.45), dbSNP rs749732928, ClinGen allele CA394800523.
Genomic context (GRCh38, chr16:9,840,940, plus strand): 5'-GAGGACTGCAGGCCCTTTGTCTGAGTAAGAGCCTAGGGGATGAAAAGATAACTTACTTCA[C>T]CGATCATTCCATTCCACACATTGTTAACTTTCTTGCCATGCTTCCCATTGGTCACCAGAT-3'
Protein context (NP_001127879.1, residues 488-508): KVNNVWNGMI[Gly498Asp]EVVYQRAVMA